The following is an entry in ClinVar:

NM_001429.4(EP300):c.1255A>G (p.Asn419Asp)

Gene: EP300 (E1A binding protein p300; plus strand). Cytogenetic location: 22q13.2.
Variant type: single nucleotide variant.
Coding change: c.1255A>G on transcript NM_001429.4 (MANE Select); coding-DNA position 1255, A replaced by G.
Protein change: p.Asn419Asp; replaces asparagine 419 with aspartic acid.
Molecular consequence: missense variant.
Genome position (GRCh38, 1-based): chr22:41,129,976, A>G. VCF-style: chr22-41129976-A-G. GRCh37 (hg19) VCF-style: chr22-41525980-A-G.
Other names: c.1255A>G, p.Asn419Asp (NM_001362843.2); short protein forms N419D.
Identifiers: ClinVar variation 1301435 (VCV001301435.2), dbSNP rs2058908118, ClinGen allele CA411685052.

ClinVar aggregate classification (germline): Uncertain significance (1 of 4 stars; one submission).

Allele frequency attached by ClinVar (database versions not stated): TOPMed 0.00001.
gnomAD v4.1: 1 of 1,613,728 alleles (0.000062%); no homozygotes.

Submission:

GeneDx
Classification: Uncertain significance. Last evaluated: 2021-10-22. Review status: criteria provided, single submitter. Criteria: GeneDx Variant Classification Process June 2021. Collection method: clinical testing. Allele origin: germline. Affected: yes.
Comment: Not observed at significant frequency in large population cohorts (Lek et al., 2016); In silico analysis supports that this missense variant has a deleterious effect on protein structure/function, and may impact gene splicing. In the absence of RNA/functional studies, the actual effect of this sequence change is unknown; Has not been previously published as pathogenic or benign to our knowledge